The following is an entry in ClinVar:

NM_007294.4(BRCA1):c.2230G>A (p.Ala744Thr)

Gene: BRCA1 (BRCA1 DNA repair associated; minus strand). Cytogenetic location: 17q21.31.
Variant type: single nucleotide variant.
Coding change: c.2230G>A on transcript NM_007294.4 (MANE Select); coding-DNA position 2230, G replaced by A.
Protein change: p.Ala744Thr; replaces alanine 744 with threonine.
Molecular consequence: missense variant. On other transcripts: intron variant (137).
Genome position (GRCh38, 1-based): chr17:43,093,301, C>T on the plus strand (G>A on the coding strand, the complement: BRCA1 is on the minus strand). VCF-style: chr17-43093301-C-T. GRCh37 (hg19) VCF-style: chr17-41245318-C-T.
Other names: c.787+1443G>A (NM_001407978.1, NM_001407979.1, NM_001407977.1 and 17 more transcripts); c.643+1443G>A (NM_001408462.1, NM_001408470.1, NM_001408464.1 and 3 more transcripts); c.709+1443G>A (NM_001408414.1, NM_001408411.1, NM_001408415.1 and 2 more transcripts); c.577+1443G>A (NM_001408514.1, NM_001408485.1, NM_001408483.1 and 9 more transcripts); c.661+1443G>A (NM_001408447.1, NM_001408433.1, NM_001408446.1 and 6 more transcripts); c.784+1443G>A (NM_001408400.1, NM_001408392.1, NM_001407986.1 and 13 more transcripts); c.664+1443G>A (NM_001408441.1, NM_001408437.1, NM_001408429.1 and 12 more transcripts); c.646+1443G>A (NM_001408410.1, NM_001408458.1, NM_001408469.1 and 11 more transcripts); and 41 more; short protein forms A744T, A697T, A448T, A617T, A632T, A676T, A696T, A702T.
Identifiers: ClinVar variation 187051 (VCV000187051.8), dbSNP rs786203435, ClinGen allele CA001493.
Genomic context (GRCh38, chr17:43,093,301, plus strand): 5'-CAGATCTTTCAGTTTGCAAAACCCTTTCTCCACTTAACATGAGATCTTTGGGGTCTTCAG[C>T]ATTATTAGACACTTTAACTGTTTCTAGTTTCTCTTCTTTTTCTTCTCTTGGAAGGCTAGG-3'
Protein context (NP_009225.1, residues 734-754): KLETVKVSNN[Ala744Thr]EDPKDLMLSG

ClinVar aggregate classification (germline): Likely benign. Review status: criteria provided, multiple submitters, no conflicts (2 of 4 stars). 2 submissions from 2 submitters: Likely benign (2). Last evaluated 2023-03-23.

Conditions:
Hereditary cancer-predisposing syndrome. Also called: Neoplastic Syndromes, Hereditary; Tumor predisposition; Hereditary Cancer Syndrome; Hereditary neoplastic syndrome. Identifiers: Orphanet 140162, MedGen C0027672, MeSH D009386, MONDO:0015356.

Allele frequency attached by ClinVar (database versions not stated): gnomAD exomes below 0.00001.
gnomAD v4.1: 1 of 1,614,012 alleles (0.000062%); no homozygotes.

Submissions (2):

University of Washington Department of Laboratory Medicine, University of Washington
Classification: Likely benign for Hereditary cancer-predisposing syndrome. Last evaluated: 2023-03-23. Review status: criteria provided, single submitter. Criteria: Dines et al. (Genet Med. 2020). Collection method: curation. Allele origin: germline.
Comment: Missense variant in a coldspot region where missense variants are very unlikely to be pathogenic (PMID:31911673).

BRCA1 coldspot (exon 11 using historical exon numbering). Reclassification based on statistical prior probability

Ambry Genetics
Classification: Likely benign for Hereditary cancer-predisposing syndrome. Last evaluated: 2016-06-29. Review status: criteria provided, single submitter. Criteria: Ambry Variant Classification Scheme 2023. Collection method: clinical testing. Allele origin: germline.